The following is an entry in ClinVar:

NM_002637.4(PHKA1):c.82C>T (p.Pro28Ser)

Gene: PHKA1 (phosphorylase kinase regulatory subunit alpha 1; minus strand). Cytogenetic location: Xq13.1.
Variant type: single nucleotide variant.
Coding change: c.82C>T on transcript NM_002637.4 (MANE Select); coding-DNA position 82, C replaced by T.
Protein change: p.Pro28Ser; replaces proline 28 with serine.
Molecular consequence: missense variant.
Genome position (GRCh38, 1-based): chrX:72,712,934, G>A on the plus strand (C>T on the coding strand, the complement: PHKA1 is on the minus strand). VCF-style: chrX-72712934-G-A. GRCh37 (hg19) VCF-style: chrX-71932776-G-A.
Other names: c.82C>T, p.Pro28Ser (NM_001122670.2, NM_001172436.2, NM_001431068.1 and 2 more transcripts); short protein forms P28S.
Identifiers: ClinVar variation 4977995 (VCV004977995.1).

ClinVar aggregate classification (germline): Uncertain significance (1 of 4 stars; one submission).

Conditions:
PHKA1-related disorder. Also called: PHKA1-related condition.

Submission:

PreventionGenetics, part of Exact Sciences
Classification: Uncertain significance for PHKA1-related condition. Last evaluated: 2026-08-27. Review status: criteria provided, single submitter. Criteria: ACMG Guidelines, 2015. Collection method: clinical testing. Allele origin: germline.
Comment: The PHKA1 c.82C>T variant is predicted to result in the amino acid substitution p.Pro28Ser. To our knowledge, this variant has not been reported in the literature or in a large population database (gnomAD), indicating this variant is rare. At this time, the clinical significance of this variant is uncertain due to the absence of conclusive functional and genetic evidence.